The following is an entry in ClinVar:

NM_015450.3(POT1):c.1622T>G (p.Val541Gly)

Gene: POT1 (protection of telomeres 1; minus strand). Cytogenetic location: 7q31.33.
Variant type: single nucleotide variant.
Coding change: c.1622T>G on transcript NM_015450.3 (MANE Select); coding-DNA position 1622, T replaced by G.
Protein change: p.Val541Gly; replaces valine 541 with glycine.
Molecular consequence: missense variant. On other transcripts: non-coding transcript variant (3).
Genome position (GRCh38, 1-based): chr7:124,827,278, A>C on the plus strand (T>G on the coding strand, the complement: POT1 is on the minus strand). VCF-style: chr7-124827278-A-C. GRCh37 (hg19) VCF-style: chr7-124467332-A-C.
Other names: c.1229T>G, p.Val410Gly (NM_001042594.2); short protein forms V541G, V410G.
Identifiers: ClinVar variation 3423153 (VCV003423153.1).

ClinVar aggregate classification (germline): Uncertain significance (1 of 4 stars; one submission).

Conditions:
Hereditary cancer-predisposing syndrome. Also called: Neoplastic Syndromes, Hereditary; Tumor predisposition; Hereditary Cancer Syndrome; Hereditary neoplastic syndrome. Identifiers: Orphanet 140162, MedGen C0027672, MeSH D009386, MONDO:0015356.

Submission:

Ambry Genetics
Classification: Uncertain significance for Hereditary cancer-predisposing syndrome. Last evaluated: 2024-12-01. Review status: criteria provided, single submitter. Criteria: Ambry Variant Classification Scheme 2023. Collection method: clinical testing. Allele origin: germline.
Comment: The p.V541G variant (also known as c.1622T>G), located in coding exon 13 of the POT1 gene, results from a T to G substitution at nucleotide position 1622. The valine at codon 541 is replaced by glycine, an amino acid with dissimilar properties. This amino acid position is conserved. In addition, the in silico prediction for this alteration is inconclusive. Based on the available evidence, the clinical significance of this variant remains unclear.